The following is an entry in ClinVar:

ClinVar aggregate classification (germline): Uncertain significance (1 of 4 stars; one submission).

Submission:

Labcorp Genetics (formerly Invitae), Labcorp
Classification: Uncertain significance. Last evaluated: 2020-08-06. Review status: criteria provided, single submitter. Criteria: Invitae Variant Classification Sherloc (09022015). Collection method: clinical testing. Allele origin: germline.
Comment: This variant has not been reported in the literature in individuals with SCN3A-related conditions. Algorithms developed to predict the effect of missense changes on protein structure and function (SIFT, PolyPhen-2, Align-GVGD) all suggest that this variant is likely to be tolerated, but these predictions have not been confirmed by published functional studies and their clinical significance is uncertain. Algorithms developed to predict the effect of sequence changes on RNA splicing suggest that this variant may create or strengthen a splice site, but this prediction has not been confirmed by published transcriptional studies. This sequence change replaces serine with glycine at codon 1925 of the SCN3A protein (p.Ser1925Gly). The serine residue is weakly conserved and there is a small physicochemical difference between serine and glycine. In summary, the available evidence is currently insufficient to determine the role of this variant in disease. Therefore, it has been classified as a Variant of Uncertain Significance. This variant is not present in population databases (ExAC no frequency).

NM_006922.4(SCN3A):c.5773A>G (p.Ser1925Gly)

Gene: SCN3A (sodium voltage-gated channel alpha subunit 3; minus strand). Cytogenetic location: 2q24.3.
Variant type: single nucleotide variant.
Coding change: c.5773A>G on transcript NM_006922.4 (MANE Select); coding-DNA position 5773, A replaced by G.
Protein change: p.Ser1925Gly; replaces serine 1925 with glycine.
Molecular consequence: missense variant.
Genome position (GRCh38, 1-based): chr2:165,090,380, T>C on the plus strand (A>G on the coding strand, the complement: SCN3A is on the minus strand). VCF-style: chr2-165090380-T-C. GRCh37 (hg19) VCF-style: chr2-165946890-T-C.
Other names: c.5626A>G, p.Ser1876Gly (NM_001081676.2, NM_001081677.2); short protein forms S1876G, S1925G.
Identifiers: ClinVar variation 1002168 (VCV001002168.8), dbSNP rs1685027995, ClinGen allele CA349009755.